The following is an entry in ClinVar:

ClinVar aggregate classification (germline): Conflicting classifications of pathogenicity. Review status: criteria provided, conflicting classifications (1 of 4 stars). 4 submissions from 4 submitters: Uncertain significance (2); Benign (1); Likely benign (1). Last evaluated 2026-06-09.

Conditions:
COL2A1-related disorder. Also called: COL2A1-related condition; COL2A1-related disorders.

Allele frequency attached by ClinVar (database versions not stated): TOPMed 0.00006; gnomAD 0.00011; ESP Exome Variant Server 0.00015.
gnomAD v4.1: 97 of 1,609,936 alleles (0.006%); highest among the groups gnomAD compares: African/African-American, 0.015%; no homozygotes.

Submissions (4):

PreventionGenetics, part of Exact Sciences
Classification: Uncertain significance for COL2A1-related condition. Last evaluated: 2026-06-09. Review status: criteria provided, single submitter. Criteria: ACMG Guidelines, 2015. Collection method: clinical testing. Allele origin: germline.
Comment: The COL2A1 c.3683C>T variant is predicted to result in the amino acid substitution p.Pro1228Leu. To our knowledge, this variant has not been reported in the literature. This variant is reported in 0.028% of alleles in individuals of African descent in gnomAD, which may be too frequent to be a primary cause of disease. This variant is not located in the triple helix domain of COL2A1 where most pathogenic missense variants are located. Although we suspect that this variant may be benign, the clinical significance of this variant is currently classified as uncertain due to the absence of conclusive functional and genetic evidence.

Labcorp Genetics (formerly Invitae), Labcorp
Classification: Benign. Last evaluated: 2025-12-28. Review status: criteria provided, single submitter. Criteria: Invitae Variant Classification Sherloc (09022015). Collection method: clinical testing. Allele origin: germline.

GeneDx
Classification: Uncertain significance. Last evaluated: 2025-12-10. Review status: criteria provided, single submitter. Criteria: GeneDx Variant Classification Process June 2021. Collection method: clinical testing. Allele origin: germline. Affected: yes.
Comment: Not located in the triple helical region, where the majority of pathogenic missense variants occur (HGMD); In silico analysis suggests that this missense variant does not alter protein structure/function; Has not been previously published as pathogenic or benign to our knowledge

Blueprint Genetics
Classification: Likely benign. Last evaluated: 2024-04-16. Review status: criteria provided, single submitter. Criteria: ACMG Guidelines, 2015. Collection method: clinical testing. Allele origin: germline.

NM_001844.5(COL2A1):c.3683C>T (p.Pro1228Leu)

Gene: COL2A1 (collagen type II alpha 1 chain; minus strand). Cytogenetic location: 12q13.11.
Variant type: single nucleotide variant.
Coding change: c.3683C>T on transcript NM_001844.5 (MANE Select); coding-DNA position 3683, C replaced by T.
Protein change: p.Pro1228Leu; replaces proline 1228 with leucine.
Molecular consequence: missense variant.
Genome position (GRCh38, 1-based): chr12:47,975,520, G>A on the plus strand (C>T on the coding strand, the complement: COL2A1 is on the minus strand). VCF-style: chr12-47975520-G-A. GRCh37 (hg19) VCF-style: chr12-48369303-G-A.
Other names: c.3476C>T, p.Pro1159Leu (NM_033150.3); short protein forms P1228L, P1159L.
Identifiers: ClinVar variation 858776 (VCV000858776.15), dbSNP rs371974287, ClinGen allele CA6534668.